The following is an entry in ClinVar:

ClinVar aggregate classification (germline): Uncertain significance (1 of 4 stars; one submission).

Allele frequency attached by ClinVar (database versions not stated): TOPMed below 0.00001; gnomAD 0.00001; ExAC 0.00002; gnomAD exomes 0.00002.
gnomAD v4.1: 55 of 1,613,240 alleles (0.0034%); highest among the groups gnomAD compares: Non-Finnish European, 0.0046%; no homozygotes.

Submission:

Labcorp Genetics (formerly Invitae), Labcorp
Classification: Uncertain significance. Last evaluated: 2021-10-24. Review status: criteria provided, single submitter. Criteria: Invitae Variant Classification Sherloc (09022015). Collection method: clinical testing. Allele origin: germline.
Comment: In summary, the available evidence is currently insufficient to determine the role of this variant in disease. Therefore, it has been classified as a Variant of Uncertain Significance. Algorithms developed to predict the effect of missense changes on protein structure and function are either unavailable or do not agree on the potential impact of this missense change (SIFT: "Deleterious"; PolyPhen-2: "Probably Damaging"; Align-GVGD: "Class C15"). This variant has not been reported in the literature in individuals affected with MMP2-related conditions. This variant is present in population databases (rs757239173, gnomAD 0.004%). This sequence change replaces arginine, which is basic and polar, with cysteine, which is neutral and slightly polar, at codon 315 of the MMP2 protein (p.Arg315Cys).

NM_004530.6(MMP2):c.943C>T (p.Arg315Cys)

Gene: MMP2 (matrix metallopeptidase 2; plus strand). Cytogenetic location: 16q12.2.
Variant type: single nucleotide variant.
Coding change: c.943C>T on transcript NM_004530.6 (MANE Select); coding-DNA position 943, C replaced by T.
Protein change: p.Arg315Cys; replaces arginine 315 with cysteine.
Molecular consequence: missense variant.
Genome position (GRCh38, 1-based): chr16:55,488,653, C>T. VCF-style: chr16-55488653-C-T. GRCh37 (hg19) VCF-style: chr16-55522565-C-T.
Other names: c.793C>T, p.Arg265Cys (NM_001127891.3); c.715C>T, p.Arg239Cys (NM_001302508.1, NM_001302509.2, NM_001302510.2); short protein forms R265C, R315C, R239C.
Identifiers: ClinVar variation 1345715 (VCV001345715.6), dbSNP rs757239173, ClinGen allele CA8060250.
Genomic context (GRCh38, chr16:55,488,653, plus strand): 5'-TTCCGCTTCCAGGGCACATCCTATGACAGCTGCACCACTGAGGGCCGCACGGATGGCTAC[C>T]GCTGGTGCGGCACCACTGAGGACTACGACCGCGACAAGAAGTATGGCTTCTGCCCTGAGA-3'
Protein context (NP_004521.1, residues 305-325): CTTEGRTDGY[Arg315Cys]WCGTTEDYDR